The following is an entry in ClinVar:

NM_002109.6(HARS1):c.898G>A (p.Gly300Arg)

Gene: HARS1 (histidyl-tRNA synthetase 1; minus strand). Cytogenetic location: 5q31.3.
Variant type: single nucleotide variant.
Coding change: c.898G>A on transcript NM_002109.6 (MANE Select); coding-DNA position 898, G replaced by A.
Protein change: p.Gly300Arg; replaces glycine 300 with arginine.
Molecular consequence: missense variant.
Genome position (GRCh38, 1-based): chr5:140,677,042, C>T on the plus strand (G>A on the coding strand, the complement: HARS1 is on the minus strand). VCF-style: chr5-140677042-C-T. GRCh37 (hg19) VCF-style: chr5-140056627-C-T.
Other names: c.778G>A, p.Gly260Arg (NM_001258040.3); c.838G>A, p.Gly280Arg (NM_001258041.3); c.718G>A, p.Gly240Arg (NM_001258042.3); c.676G>A, p.Gly226Arg (NM_001289092.2); c.556G>A, p.Gly186Arg (NM_001289093.2); c.811G>A, p.Gly271Arg (NM_001289094.2); short protein forms G226R, G260R, G300R, G280R, G240R, G271R, G186R.
Identifiers: ClinVar variation 2831722 (VCV002831722.3), dbSNP rs2149823422, ClinGen allele CA361252740.
Genomic context (GRCh38, chr5:140,677,042, plus strand): 5'-GACTCACTTTGTCATCAATGCCAAATAGGGTCAGGTACTCAAAGAGCAACTTCAGGTCTC[C>T]CAGGCCCTCCAAGGCCTGCTTGTTTTGGGATAGTTTAGGATCCTGGAGCAGCTGTTCCAC-3'
Protein context (NP_002100.2, residues 290-310): SQNKQALEGL[Gly300Arg]DLKLLFEYLT

ClinVar aggregate classification (germline): Uncertain significance (1 of 4 stars; one submission).

Conditions:
Usher syndrome type 3B. Also called: USHER SYNDROME, TYPE IIIB. Identifiers: MedGen C3281066, MONDO:0013788, OMIM 614504.

Allele frequency attached by ClinVar (database versions not stated): gnomAD 0.00001.
gnomAD v4.1: 1 of 1,614,132 alleles (0.000062%); highest among the groups gnomAD compares: South Asian, 0.0011%; no homozygotes.

Submission:

Labcorp Genetics (formerly Invitae), Labcorp
Classification: Uncertain significance for Usher syndrome type 3B. Last evaluated: 2023-06-22. Review status: criteria provided, single submitter. Criteria: Invitae Variant Classification Sherloc (09022015). Collection method: clinical testing. Allele origin: germline.
Comment: This variant has not been reported in the literature in individuals affected with HARS-related conditions. Advanced modeling of protein sequence and biophysical properties (such as structural, functional, and spatial information, amino acid conservation, physicochemical variation, residue mobility, and thermodynamic stability) performed at Invitae indicates that this missense variant is not expected to disrupt HARS protein function. In summary, the available evidence is currently insufficient to determine the role of this variant in disease. Therefore, it has been classified as a Variant of Uncertain Significance. This variant is not present in population databases (gnomAD no frequency). This sequence change replaces glycine, which is neutral and non-polar, with arginine, which is basic and polar, at codon 300 of the HARS protein (p.Gly300Arg).